The following is an entry in ClinVar:

NM_001148.6(ANK2):c.157G>T (p.Gly53Trp)

Gene: ANK2 (ankyrin 2; plus strand). Cytogenetic location: 4q25.
Variant type: single nucleotide variant.
Coding change: c.157G>T on transcript NM_001148.6 (MANE Select); coding-DNA position 157, G replaced by T.
Protein change: p.Gly53Trp; replaces glycine 53 with tryptophan.
Molecular consequence: missense variant.
Genome position (GRCh38, 1-based): chr4:113,174,488, G>T. VCF-style: chr4-113174488-G-T. GRCh37 (hg19) VCF-style: chr4-114095644-G-T.
Other names: c.94G>T, p.Gly32Trp (NM_001127493.3, NM_001354239.2, NM_001354243.2 and 33 more transcripts); c.157G>T, p.Gly53Trp (NM_001354225.2, NM_001354228.2, NM_001354232.2 and 9 more transcripts); c.202G>T, p.Gly68Trp (NM_001354230.2, NM_001354231.2, NM_001354237.2 and 5 more transcripts); c.139G>T, p.Gly47Trp (NM_001354261.2, NM_001386147.1, NM_001386160.1); c.145G>T, p.Gly49Trp (NM_001354269.3, NM_001386148.2, NM_001386186.2 and 1 more transcripts); c.208G>T, p.Gly70Trp (NM_001386174.1, NM_001386175.1); short protein forms G47W, G49W, G68W, G32W, G53W, G70W.
Identifiers: ClinVar variation 930928 (VCV000930928.9), dbSNP rs1328490060, ClinGen allele CA357992997.
Genomic context (GRCh38, chr4:113,174,488, plus strand): 5'-GCAAGCTTCCTCCGTGCTGCCAGAGCAGGCAACCTGGACAAAGTTGTGGAATATCTGAAG[G>T]GGGGCATAGACATCAATACCTGCAATCAGGTAAGAACATGGCAGCTAGCTCTGTGTTGTG-3'
Protein context (NP_001139.3, residues 43-63): NLDKVVEYLK[Gly53Trp]GIDINTCNQN

ClinVar aggregate classification (germline): Uncertain significance. Review status: criteria provided, multiple submitters, no conflicts (2 of 4 stars). 2 submissions from 2 submitters: Uncertain significance (2). Last evaluated 2022-06-08.

Conditions:
Long QT syndrome (LQTS). Identifiers: MedGen C0023976, MeSH D008133, MONDO:0002442. Disease mechanism: loss of function. Inheritance: Various modes of inheritance.
Cardiac arrhythmia, ankyrin-B-related. Also called: ANKYRIN-B SYNDROME. Identifiers: Orphanet 101016, Orphanet 768, MedGen C1970119, MONDO:0010958, OMIM 600919.

Allele frequency attached by ClinVar (database versions not stated): gnomAD exomes below 0.00001; gnomAD 0.00001 and 0.00002; TOPMed 0.00002.
gnomAD v4.1: 7 of 1,612,702 alleles (0.00043%); highest among the groups gnomAD compares: Middle Eastern, 0.016%; no homozygotes.

Submissions (2):

Labcorp Genetics (formerly Invitae), Labcorp
Classification: Uncertain significance for Long QT syndrome. Last evaluated: 2022-06-08. Review status: criteria provided, single submitter. Criteria: Invitae Variant Classification Sherloc (09022015). Collection method: clinical testing. Allele origin: germline.
Comment: This sequence change replaces glycine, which is neutral and non-polar, with tryptophan, which is neutral and slightly polar, at codon 53 of the ANK2 protein (p.Gly53Trp). This variant is present in population databases (no rsID available, gnomAD 0.0009%). This variant has not been reported in the literature in individuals affected with ANK2-related conditions. ClinVar contains an entry for this variant (Variation ID: 930928). Algorithms developed to predict the effect of missense changes on protein structure and function are either unavailable or do not agree on the potential impact of this missense change (SIFT: "Deleterious"; PolyPhen-2: "Probably Damaging"; Align-GVGD: "Class C0"). In summary, the available evidence is currently insufficient to determine the role of this variant in disease. Therefore, it has been classified as a Variant of Uncertain Significance.

Centre for Mendelian Genomics, University Medical Centre Ljubljana
Classification: Uncertain significance for Cardiac arrhythmia, ankyrin-B-related. Last evaluated: 2018-10-23. Review status: criteria provided, single submitter. Criteria: ACMG Guidelines, 2015. Collection method: clinical testing. Allele origin: unknown. Affected: yes.
Comment: This variant was classified as: Uncertain significance. The available evidence on this variant's pathogenicity is insufficient or conflicting. The following ACMG criteria were applied in classifying this variant: PP3.